The following is an entry in ClinVar:

ClinVar aggregate classification (germline): Uncertain significance (1 of 4 stars; one submission).

Conditions:
Primary open angle glaucoma (POAG). Also called: OPTN-related open angle glaucoma. Identifiers: MedGen C0339573, MONDO:0100553, OMIM 137760.
Amyotrophic lateral sclerosis type 12 (ALS12). Also called: AMYOTROPHIC LATERAL SCLEROSIS 12 WITH OR WITHOUT FRONTOTEMPORAL DEMENTIA. Identifiers: Orphanet 803, MedGen C3150692, MONDO:0013264, OMIM 613435.
Glaucoma 1, open angle, E. Identifiers: MedGen C1842026, MONDO:0007665.

Allele frequency attached by ClinVar (database versions not stated): TOPMed 0.00002; gnomAD 0.00005 and 0.00006.
gnomAD v4.1: 10 of 1,612,168 alleles (0.00062%); highest among the groups gnomAD compares: African/African-American, 0.013%; no homozygotes.

Submission:

Labcorp Genetics (formerly Invitae), Labcorp
Classification: Uncertain significance for Primary open angle glaucoma; Glaucoma 1, open angle, E; Amyotrophic lateral sclerosis type 12. Last evaluated: 2023-10-10. Review status: criteria provided, single submitter. Criteria: Invitae Variant Classification Sherloc (09022015). Collection method: clinical testing. Allele origin: germline.
Comment: This sequence change replaces threonine, which is neutral and polar, with alanine, which is neutral and non-polar, at codon 207 of the OPTN protein (p.Thr207Ala). This variant is present in population databases (no rsID available, gnomAD 0.01%). This variant has not been reported in the literature in individuals affected with OPTN-related conditions. ClinVar contains an entry for this variant (Variation ID: 1418562). An algorithm developed to predict the effect of missense changes on protein structure and function (PolyPhen-2) suggests that this variant is likely to be tolerated. In summary, the available evidence is currently insufficient to determine the role of this variant in disease. Therefore, it has been classified as a Variant of Uncertain Significance.

NM_001008212.2(OPTN):c.619A>G (p.Thr207Ala)

Gene: OPTN (optineurin; plus strand). Cytogenetic location: 10p13.
Variant type: single nucleotide variant.
Coding change: c.619A>G on transcript NM_001008212.2 (MANE Select); coding-DNA position 619, A replaced by G.
Protein change: p.Thr207Ala; replaces threonine 207 with alanine.
Molecular consequence: missense variant.
Genome position (GRCh38, 1-based): chr10:13,116,333, A>G. VCF-style: chr10-13116333-A-G. GRCh37 (hg19) VCF-style: chr10-13158333-A-G.
Other names: c.619A>G, p.Thr207Ala (NM_001008211.1, NM_001008213.1, NM_021980.4); short protein forms T207A.
Identifiers: ClinVar variation 1418562 (VCV001418562.6), dbSNP rs750995656, ClinGen allele CA203259562.